The following is an entry in ClinVar:

NM_018941.4(CLN8):c.579C>A (p.Asn193Lys)

Gene: CLN8 (CLN8 transmembrane ER and ERGIC protein; plus strand). Cytogenetic location: 8p23.3.
Variant type: single nucleotide variant.
Coding change: c.579C>A on transcript NM_018941.4 (MANE Select); coding-DNA position 579, C replaced by A.
Protein change: p.Asn193Lys; replaces asparagine 193 with lysine.
Molecular consequence: missense variant.
Genome position (GRCh38, 1-based): chr8:1,780,285, C>A. VCF-style: chr8-1780285-C-A. GRCh37 (hg19) VCF-style: chr8-1728451-C-A.
Other names: short protein forms N193K.
Identifiers: ClinVar variation 2007076 (VCV002007076.4), dbSNP rs2486488562, ClinGen allele CA369953875.

ClinVar aggregate classification (germline): Uncertain significance (1 of 4 stars; one submission).

Conditions:
Neuronal ceroid lipofuscinosis. Also called: Neuronal Ceroid Lipofuscinoses. Identifiers: Orphanet 216, Orphanet 79263, MedGen C0027877, MONDO:0016295. Disease mechanism: loss of function.

Submission:

Labcorp Genetics (formerly Invitae), Labcorp
Classification: Uncertain significance for Neuronal ceroid lipofuscinosis. Last evaluated: 2022-11-01. Review status: criteria provided, single submitter. Criteria: Invitae Variant Classification Sherloc (09022015). Collection method: clinical testing. Allele origin: germline.
Comment: In summary, the available evidence is currently insufficient to determine the role of this variant in disease. Therefore, it has been classified as a Variant of Uncertain Significance. Advanced modeling of protein sequence and biophysical properties (such as structural, functional, and spatial information, amino acid conservation, physicochemical variation, residue mobility, and thermodynamic stability) performed at Invitae indicates that this missense variant is expected to disrupt CLN8 protein function. This variant has not been reported in the literature in individuals affected with CLN8-related conditions. This variant is not present in population databases (gnomAD no frequency). This sequence change replaces asparagine, which is neutral and polar, with lysine, which is basic and polar, at codon 193 of the CLN8 protein (p.Asn193Lys).